The following is an entry in ClinVar:

ClinVar aggregate classification (germline): Likely benign. Review status: criteria provided, multiple submitters, no conflicts (2 of 4 stars). 4 submissions from 4 submitters: Likely benign (4). Last evaluated 2026-09-01.

Allele frequency attached by ClinVar (database versions not stated): gnomAD exomes 0.00006 and 0.00023; gnomAD 0.00008 and 0.00009; ExAC 0.00011; TOPMed 0.00016; 1000 Genomes Project 0.00040; 1000 Genomes Project 30x 0.00047.
gnomAD v4.1: 106 of 1,613,266 alleles (0.0066%); highest among the groups gnomAD compares: Admixed American, 0.11%; no homozygotes.

Submissions (4):

CeGaT Center for Human Genetics Tuebingen
Classification: Likely benign. Last evaluated: 2026-09-01. Review status: criteria provided, single submitter. Criteria: CeGaT Center For Human Genetics Tuebingen Variant Classification Criteria Version 2. Collection method: clinical testing. Allele origin: germline. Affected: yes. Observed: 1 variant allele.
Comment: CAMTA1: BS1

Labcorp Genetics (formerly Invitae), Labcorp
Classification: Likely benign. Last evaluated: 2025-09-26. Review status: criteria provided, single submitter. Criteria: Invitae Variant Classification Sherloc (09022015). Collection method: clinical testing. Allele origin: germline.

Blueprint Genetics
Classification: Likely benign. Last evaluated: 2023-12-28. Review status: criteria provided, single submitter. Criteria: ACMG Guidelines, 2015. Collection method: clinical testing. Allele origin: germline.

Breakthrough Genomics
Classification: Likely benign. Review status: criteria provided, single submitter. Criteria: ACMG Guidelines, 2015. Collection method: not provided. Allele origin: germline. Inheritance: Autosomal dominant inheritance. Affected: yes.

NM_015215.4(CAMTA1):c.1989G>C (p.Glu663Asp)

Gene: CAMTA1 (calmodulin binding transcription activator 1; plus strand). Cytogenetic location: 1p36.23.
Variant type: single nucleotide variant.
Coding change: c.1989G>C on transcript NM_015215.4 (MANE Select); coding-DNA position 1989, G replaced by C.
Protein change: p.Glu663Asp; replaces glutamic acid 663 with aspartic acid.
Molecular consequence: missense variant.
Genome position (GRCh38, 1-based): chr1:7,664,536, G>C. VCF-style: chr1-7664536-G-C. GRCh37 (hg19) VCF-style: chr1-7724596-G-C.
Other names: c.1899G>C, p.Glu633Asp (NM_001349608.2, NM_001349612.2); c.1989G>C, p.Glu663Asp (NM_001349609.2, NM_001349610.2); short protein forms E633D, E663D.
Identifiers: ClinVar variation 725147 (VCV000725147.11), dbSNP rs200096946, ClinGen allele CA566544.